The following is an entry in ClinVar:

NM_001365536.1(SCN9A):c.637C>G (p.Leu213Val)

Gene: SCN9A (sodium voltage-gated channel alpha subunit 9; minus strand). Cytogenetic location: 2q24.3.
Variant type: single nucleotide variant.
Coding change: c.637C>G on transcript NM_001365536.1 (MANE Select); coding-DNA position 637, C replaced by G.
Protein change: p.Leu213Val; replaces leucine 213 with valine.
Molecular consequence: missense variant.
Genome position (GRCh38, 1-based): chr2:166,304,289, G>C on the plus strand (C>G on the coding strand, the complement: SCN9A is on the minus strand). VCF-style: chr2-166304289-G-C. GRCh37 (hg19) VCF-style: chr2-167160799-G-C.
Other names: c.637C>G, p.Leu213Val (NM_002977.4); short protein forms L213V.
Identifiers: ClinVar variation 2109298 (VCV002109298.4), dbSNP rs1282361234, ClinGen allele CA349094247.

ClinVar aggregate classification (germline): Uncertain significance (1 of 4 stars; one submission).

Conditions:
Neuropathy, hereditary sensory and autonomic, type 2A (HSAN2A). Also called: WNK1-Related HSAN2 (HSAN2A); HSAN IIA; ACROOSTEOLYSIS, GIACCAI TYPE; ACROOSTEOLYSIS, NEUROGENIC; MORVAN DISEASE; NEUROPATHY, CONGENITAL SENSORY. Identifiers: Orphanet 970, MedGen C2752089, MONDO:0024309, OMIM 201300.
Generalized epilepsy with febrile seizures plus, type 7 (GEFSP7). Also called: GEFS+, TYPE 7. Identifiers: Orphanet 36387, MedGen C2751778, MONDO:0013470, OMIM 613863.

Submission:

Labcorp Genetics (formerly Invitae), Labcorp
Classification: Uncertain significance for Neuropathy, hereditary sensory and autonomic, type 2A; Generalized epilepsy with febrile seizures plus, type 7. Last evaluated: 2022-03-11. Review status: criteria provided, single submitter. Criteria: Invitae Variant Classification Sherloc (09022015). Collection method: clinical testing. Allele origin: germline.
Comment: In summary, the available evidence is currently insufficient to determine the role of this variant in disease. Therefore, it has been classified as a Variant of Uncertain Significance. Algorithms developed to predict the effect of missense changes on protein structure and function are either unavailable or do not agree on the potential impact of this missense change (SIFT: "Deleterious"; PolyPhen-2: "Probably Damaging"; Align-GVGD: "Class C0"). This variant has not been reported in the literature in individuals affected with SCN9A-related conditions. This variant is not present in population databases (gnomAD no frequency). This sequence change replaces leucine, which is neutral and non-polar, with valine, which is neutral and non-polar, at codon 213 of the SCN9A protein (p.Leu213Val).